The following is an entry in ClinVar:

NM_022168.4(IFIH1):c.2280del (p.Ser760fs)

Gene: IFIH1 (interferon induced with helicase C domain 1; minus strand). Cytogenetic location: 2q24.2.
Variant type: Deletion.
Coding change: c.2280del on transcript NM_022168.4 (MANE Select); coding-DNA position 2280, one base deleted (C; older notation c.2280delC).
Protein change: p.Ser760fs; shifts the reading frame from serine 760.
Molecular consequence: frameshift variant.
Genome position (GRCh38, 1-based): chr2:162,276,711, G deleted on the plus strand (C on the coding strand, the reverse complement: IFIH1 is on the minus strand). VCF-style (leftmost placement, unchanged base first): chr2-162276710-TG-T. GRCh37 (hg19) VCF-style: chr2-163133220-TG-T.
Other names: short protein forms S760fs.
Identifiers: ClinVar variation 2178514 (VCV002178514.4), dbSNP rs771155568, ClinGen allele CA1934255.
Genomic context (GRCh38, chr2:162,276,710, plus strand): 5'-AGAAAAGAAAAGAAGTCGTCCAAAAGGATATTTATACCTGTGTCATGGGTTTGAACTCAC[TG>T]CTGTGTCCAGCTCCAATCAGATGGTGGGCTTTGACTCCTACTTCAGCAAATTTTTCATTT-3'

ClinVar aggregate classification (germline): Uncertain significance (1 of 4 stars; one submission).

Conditions:
Singleton-Merten syndrome 1 (SGMRT1). Also called: Widened medullary cavities of bone, aortic calcification, abnormal dentition, and muscular weakness; Syndrome of widened medullary cavities of the metacarpals and phalanges, aortic calcification and abnormal dentition. Identifiers: Orphanet 85191, MedGen C4225427, MONDO:0024535, OMIM 182250.
Aicardi-Goutieres syndrome 7 (AGS7). Identifiers: Orphanet 51, MedGen C3888244, MONDO:0014367, OMIM 615846.

Allele frequency attached by ClinVar (database versions not stated): ExAC 0.00001; gnomAD 0.00001; gnomAD exomes 0.00001; TOPMed 0.00003.

Submission:

Labcorp Genetics (formerly Invitae), Labcorp
Classification: Uncertain significance for Aicardi-Goutieres syndrome 7; Singleton-Merten syndrome 1. Last evaluated: 2023-06-20. Review status: criteria provided, single submitter. Criteria: Invitae Variant Classification Sherloc (09022015). Collection method: clinical testing. Allele origin: germline.
Comment: This sequence change creates a premature translational stop signal (p.Ser760Argfs*7) in the IFIH1 gene. It is expected to result in an absent or disrupted protein product. However, the current clinical and genetic evidence is not sufficient to establish whether loss-of-function variants in IFIH1 cause disease. The frequency data for this variant in the population databases is considered unreliable, as metrics indicate poor data quality at this position in the gnomAD database. This variant has not been reported in the literature in individuals affected with IFIH1-related conditions. ClinVar contains an entry for this variant (Variation ID: 2178514). Algorithms developed to predict the effect of sequence changes on RNA splicing suggest that this variant may create or strengthen a splice site. In summary, the available evidence is currently insufficient to determine the role of this variant in disease. Therefore, it has been classified as a Variant of Uncertain Significance.